The following is an entry in ClinVar:

ClinVar aggregate classification (germline): Uncertain significance. Review status: criteria provided, multiple submitters, no conflicts (2 of 4 stars). 2 submissions from 2 submitters: Uncertain significance (2). Last evaluated 2025-02-16.

Conditions:
Inborn genetic diseases. Identifiers: MedGen C0950123, MeSH D030342.

gnomAD v4.1: 7 of 1,177,031 alleles (0.00059%); highest among the groups gnomAD compares: Non-Finnish European, 0.00068%; no homozygotes.

Submissions (2):

Labcorp Genetics (formerly Invitae), Labcorp
Classification: Uncertain significance. Last evaluated: 2025-02-16. Review status: criteria provided, single submitter. Criteria: Invitae Variant Classification Sherloc (09022015). Collection method: clinical testing. Allele origin: germline.
Comment: This sequence change replaces isoleucine, which is neutral and non-polar, with threonine, which is neutral and polar, at codon 340 of the MSN protein (p.Ile340Thr). This variant is present in population databases (rs374474374, gnomAD 0.002%), including at least one homozygous and/or hemizygous individual. This variant has not been reported in the literature in individuals affected with MSN-related conditions. ClinVar contains an entry for this variant (Variation ID: 3399022). An algorithm developed to predict the effect of missense changes on protein structure and function (PolyPhen-2) suggests that this variant is likely to be tolerated. In summary, the available evidence is currently insufficient to determine the role of this variant in disease. Therefore, it has been classified as a Variant of Uncertain Significance.

Ambry Genetics
Classification: Uncertain significance for Inborn genetic diseases. Last evaluated: 2024-10-16. Review status: criteria provided, single submitter. Criteria: Ambry Variant Classification Scheme 2023. Collection method: clinical testing. Allele origin: germline.

NM_002444.3(MSN):c.1019T>C (p.Ile340Thr)

Gene: MSN (moesin; plus strand). Cytogenetic location: Xq12.
Variant type: single nucleotide variant.
Coding change: c.1019T>C on transcript NM_002444.3 (MANE Select); coding-DNA position 1019, T replaced by C.
Protein change: p.Ile340Thr; replaces isoleucine 340 with threonine.
Molecular consequence: missense variant.
Genome position (GRCh38, 1-based): chrX:65,736,854, T>C. VCF-style: chrX-65736854-T-C. GRCh37 (hg19) VCF-style: chrX-64956716-T-C.
Other names: short protein forms I340T.
Identifiers: ClinVar variation 3399022 (VCV003399022.3).